The following is an entry in ClinVar:

ClinVar aggregate classification (germline): Uncertain significance. Review status: criteria provided, multiple submitters, no conflicts (2 of 4 stars). 3 submissions from 3 submitters: Uncertain significance (3). Last evaluated 2025-08-18.

Conditions:
Hereditary cancer-predisposing syndrome. Also called: Tumor predisposition; Hereditary Cancer Syndrome; Neoplastic Syndromes, Hereditary; Hereditary neoplastic syndrome. Identifiers: Orphanet 140162, MedGen C0027672, MeSH D009386, MONDO:0015356.
Tuberous sclerosis 2 (TSC2). Identifiers: Orphanet 805, MedGen C1860707, MONDO:0013199, OMIM 613254.

Submissions (3):

Labcorp Genetics (formerly Invitae), Labcorp
Classification: Uncertain significance for Tuberous sclerosis 2. Last evaluated: 2025-08-18. Review status: criteria provided, single submitter. Criteria: Invitae Variant Classification Sherloc (09022015). Collection method: clinical testing. Allele origin: germline.
Comment: This sequence change replaces isoleucine, which is neutral and non-polar, with methionine, which is neutral and non-polar, at codon 1518 of the TSC2 protein (p.Ile1518Met). This variant is not present in population databases (gnomAD no frequency). This variant has not been reported in the literature in individuals affected with TSC2-related conditions. ClinVar contains an entry for this variant (Variation ID: 1014334). Invitae Evidence Modeling of protein sequence and biophysical properties (such as structural, functional, and spatial information, amino acid conservation, physicochemical variation, residue mobility, and thermodynamic stability) indicates that this missense variant is not expected to disrupt TSC2 protein function with a negative predictive value of 95%. In summary, the available evidence is currently insufficient to determine the role of this variant in disease. Therefore, it has been classified as a Variant of Uncertain Significance.

Quest Diagnostics Nichols Institute San Juan Capistrano
Classification: Uncertain significance. Last evaluated: 2024-02-07. Review status: criteria provided, single submitter. Criteria: Quest Diagnostics criteria. Collection method: clinical testing. Allele origin: unknown.

Ambry Genetics
Classification: Uncertain significance for Hereditary cancer-predisposing syndrome. Last evaluated: 2023-02-28. Review status: criteria provided, single submitter. Criteria: Ambry Variant Classification Scheme 2023. Collection method: clinical testing. Allele origin: germline.
Comment: The p.I1518M variant (also known as c.4554C>G), located in coding exon 34 of the TSC2 gene, results from a C to G substitution at nucleotide position 4554. The isoleucine at codon 1518 is replaced by methionine, an amino acid with highly similar properties. This amino acid position is conserved. In addition, the in silico prediction for this alteration is inconclusive. Since supporting evidence is limited at this time, the clinical significance of this alteration remains unclear.

Literature cited by the submitters: PubMed 30548481 (cited by Quest Diagnostics Nichols Institute San Juan Capistrano).

NM_000548.5(TSC2):c.4554C>G (p.Ile1518Met)

Gene: TSC2 (TSC complex subunit 2; plus strand). Cytogenetic location: 16p13.3.
Variant type: single nucleotide variant.
Coding change: c.4554C>G on transcript NM_000548.5 (MANE Select); coding-DNA position 4554, C replaced by G.
Protein change: p.Ile1518Met; replaces isoleucine 1518 with methionine.
Molecular consequence: missense variant.
Genome position (GRCh38, 1-based): chr16:2,085,011, C>G. VCF-style: chr16-2085011-C-G. GRCh37 (hg19) VCF-style: chr16-2135012-C-G.
Other names: c.3822C>G, p.Ile1274Met (NM_001318831.2); c.4554C>G (NM_000548.3); c.4386C>G, p.Ile1462Met (NM_001318832.2); c.4356C>G, p.Ile1452Met (NM_001363528.2); c.4422C>G, p.Ile1474Met (NM_001370404.1); c.4425C>G, p.Ile1475Met (NM_001370405.1, NM_021055.3); c.4353C>G, p.Ile1451Met (NM_001077183.3); c.4485C>G, p.Ile1495Met (NM_001114382.3); and 2 more; short protein forms I1274M, I1403M, I1415M, I1451M, I1452M, I1462M, I1474M, I1475M.
Identifiers: ClinVar variation 1014334 (VCV001014334.11), dbSNP rs1204199739, ClinGen allele CA394303015.